The following is an entry in ClinVar:

NM_014714.4(IFT140):c.1524+8G>A

Genes: IFT140 (intraflagellar transport 140; minus strand), LOC105371046 (uncharacterized LOC105371046; plus strand). Cytogenetic location: 16p13.3.
Variant type: single nucleotide variant.
Coding change: c.1524+8G>A on transcript NM_014714.4 (MANE Select); 8 bases into the intron after coding-DNA position 1524, G replaced by A.
Molecular consequence: intron variant.
Genome position (GRCh38, 1-based): chr16:1,580,751, C>T on the plus strand (G>A on the coding strand, the complement: IFT140 is on the minus strand). VCF-style: chr16-1580751-C-T. GRCh37 (hg19) VCF-style: chr16-1630752-C-T.
Other names: p.?.
Identifiers: ClinVar variation 734017 (VCV000734017.13), dbSNP rs369331038, ClinGen allele CA7814252.

ClinVar aggregate classification (germline): Likely benign. Review status: criteria provided, multiple submitters, no conflicts (2 of 4 stars). 6 submissions from 6 submitters: Likely benign (6). Last evaluated 2026-01-25.

Conditions:
Retinitis pigmentosa 80 (RP80). Identifiers: MedGen C4540439, MONDO:0054708, OMIM 617781.
Saldino-Mainzer syndrome (SRTD9). Also called: short-rib thoracic dysplasia 9 with or without polydactyly; SHORT-RIB THORACIC DYSPLASIA 9 WITHOUT POLYDACTYLY; CONORENAL SYNDROME; Renal dysplasia, retinal pigmentary dystrophy, cerebellar ataxia and skeletal dysplasia. Identifiers: Orphanet 140969, MedGen C1849437, MONDO:0009964, OMIM 266920.
IFT140-related disorder. Also called: IFT140-related condition.

Allele frequency attached by ClinVar (database versions not stated): gnomAD exomes 0.00001 and 0.00004; ExAC 0.00006; ESP Exome Variant Server 0.00015; gnomAD 0.00015 and 0.00017; TOPMed 0.00017.
gnomAD v4.1: 45 of 1,604,872 alleles (0.0028%); highest among the groups gnomAD compares: African/African-American, 0.052%; no homozygotes.

Submissions (6):

Labcorp Genetics (formerly Invitae), Labcorp
Classification: Likely benign for Saldino-Mainzer syndrome. Last evaluated: 2026-01-25. Review status: criteria provided, single submitter. Criteria: Invitae Variant Classification Sherloc (09022015). Collection method: clinical testing. Allele origin: germline.

PreventionGenetics, part of Exact Sciences
Classification: Likely benign for IFT140-related condition. Last evaluated: 2025-11-06. Review status: criteria provided, single submitter. Criteria: ACMG Guidelines, 2015. Collection method: clinical testing. Allele origin: germline.
Comment: This variant is classified as likely benign based on ACMG/AMP sequence variant interpretation guidelines (Richards et al. 2015 PMID: 25741868, with internal and published modifications).

Mayo Clinic Laboratories, Mayo Clinic
Classification: Likely benign. Last evaluated: 2025-07-26. Review status: criteria provided, single submitter. Criteria: ACMG Guidelines, 2015. Collection method: clinical testing. Allele origin: germline. Observed: 1 variant allele.
Comment: BP4, BP7

Women's Health and Genetics/Laboratory Corporation of America, LabCorp
Classification: Likely benign. Last evaluated: 2025-05-08. Review status: criteria provided, single submitter. Criteria: LabCorp Variant Classification Summary - May 2015. Collection method: clinical testing. Allele origin: germline.

Blueprint Genetics
Classification: Likely benign. Last evaluated: 2024-08-28. Review status: criteria provided, single submitter. Criteria: ACMG Guidelines, 2015. Collection method: clinical testing. Allele origin: germline.

Fulgent Genetics
Classification: Likely benign for Saldino-Mainzer syndrome; Retinitis pigmentosa 80. Last evaluated: 2021-12-07. Review status: criteria provided, single submitter. Criteria: ACMG Guidelines, 2015. Collection method: clinical testing. Allele origin: unknown.